The following is an entry in ClinVar:

NM_002878.4(RAD51D):c.440T>G (p.Leu147Arg)

Genes: RAD51D (RAD51 paralog D; minus strand), RAD51L3-RFFL (RAD51L3-RFFL readthrough; minus strand). Cytogenetic location: 17q12.
Variant type: single nucleotide variant.
Coding change: c.440T>G on transcript NM_002878.4 (MANE Select); coding-DNA position 440, T replaced by G.
Protein change: p.Leu147Arg; replaces leucine 147 with arginine.
Molecular consequence: missense variant. On other transcripts: non-coding transcript variant (1), intron variant (1).
Genome position (GRCh38, 1-based): chr17:35,107,028, A>C on the plus strand (T>G on the coding strand, the complement: RAD51D is on the minus strand). VCF-style: chr17-35107028-A-C. GRCh37 (hg19) VCF-style: chr17-33434047-A-C.
Other names: c.500T>G, p.Leu167Arg (NM_001142571.2); c.145-547T>G (NM_133629.3); short protein forms L147R, L167R.
Identifiers: ClinVar variation 1351298 (VCV001351298.10), dbSNP rs2142432705, ClinGen allele CA399089226.

ClinVar aggregate classification (germline): Uncertain significance. Review status: criteria provided, multiple submitters, no conflicts (2 of 4 stars). 2 submissions from 2 submitters: Uncertain significance (2). Last evaluated 2025-06-26.

Conditions:
Breast-ovarian cancer, familial, susceptibility to, 4. Identifiers: Orphanet 145, MedGen C3280345, MONDO:0013669, OMIM 614291.

Submissions (2):

Dasa
Classification: Uncertain significance. Last evaluated: 2025-06-26. Review status: criteria provided, single submitter. Criteria: DASA Assertion Criteria. Collection method: clinical testing. Allele origin: germline.
Comment: NM_002878.4(RAD51D):c.440T>G (p.Leu147Arg) is a missense variant that results in the substitution of leucine with arginine. This variant is absent from population databases. The currently available literature and clinical evidence are not sufficient to establish a definitive association between this variant and the reported condition. Therefore, this variant is classified as a variant of uncertain significance.

Labcorp Genetics (formerly Invitae), Labcorp
Classification: Uncertain significance for Breast-ovarian cancer, familial, susceptibility to, 4. Last evaluated: 2023-07-07. Review status: criteria provided, single submitter. Criteria: Invitae Variant Classification Sherloc (09022015). Collection method: clinical testing. Allele origin: germline.
Comment: This sequence change replaces leucine, which is neutral and non-polar, with arginine, which is basic and polar, at codon 147 of the RAD51D protein (p.Leu147Arg). This variant is not present in population databases (gnomAD no frequency). This variant has not been reported in the literature in individuals affected with RAD51D-related conditions. ClinVar contains an entry for this variant (Variation ID: 1351298). Advanced modeling of protein sequence and biophysical properties (such as structural, functional, and spatial information, amino acid conservation, physicochemical variation, residue mobility, and thermodynamic stability) performed at Invitae indicates that this missense variant is not expected to disrupt RAD51D protein function. In summary, the available evidence is currently insufficient to determine the role of this variant in disease. Therefore, it has been classified as a Variant of Uncertain Significance.